The following is an entry in ClinVar:

NM_004655.4(AXIN2):c.1171C>G (p.Leu391Val)

Gene: AXIN2 (axin 2; minus strand). Cytogenetic location: 17q24.1.
Variant type: single nucleotide variant.
Coding change: c.1171C>G on transcript NM_004655.4 (MANE Select); coding-DNA position 1171, C replaced by G.
Protein change: p.Leu391Val; replaces leucine 391 with valine.
Molecular consequence: missense variant.
Genome position (GRCh38, 1-based): chr17:65,538,232, G>C on the plus strand (C>G on the coding strand, the complement: AXIN2 is on the minus strand). VCF-style: chr17-65538232-G-C. GRCh37 (hg19) VCF-style: chr17-63534350-G-C.
Other names: c.1171C>G, p.Leu391Val (NM_001363813.1); short protein forms L391V.
Identifiers: ClinVar variation 3470174 (VCV003470174.2).
Genomic context (GRCh38, chr17:65,538,232, plus strand): 5'-GGAAGCAGGAAGAAGGCCTAGGCCGCATTACCTCTCGGATCTGCTGCAGGCGCTCCTCCA[G>C]GCTGTGGCGGCTCTCCAACTCCAGCTTCAGCTTTTCCAGCCTCGAGATCAGCTCAGCTGC-3'
Protein context (NP_004646.3, residues 381-401): LKLELESRHS[Leu391Val]EERLQQIRED

ClinVar aggregate classification (germline): Uncertain significance. Review status: criteria provided, multiple submitters, no conflicts (2 of 4 stars). 2 submissions from 2 submitters: Uncertain significance (2). Last evaluated 2025-03-19.

Conditions:
Oligodontia-cancer predisposition syndrome. Also called: TOOTH AGENESIS-COLORECTAL CANCER SYNDROME. Identifiers: Orphanet 300576, MedGen C1837750, MONDO:0012075, OMIM 608615. Disease mechanism: loss of function.
Hereditary cancer-predisposing syndrome. Also called: Tumor predisposition; Neoplastic Syndromes, Hereditary; Hereditary neoplastic syndrome; Hereditary Cancer Syndrome. Identifiers: Orphanet 140162, MedGen C0027672, MeSH D009386, MONDO:0015356.

gnomAD v4.1: 1 of 1,614,166 alleles (0.000062%); highest among the groups gnomAD compares: Non-Finnish European, 0.000085%; no homozygotes.

Submissions (2):

Labcorp Genetics (formerly Invitae), Labcorp
Classification: Uncertain significance for Oligodontia-cancer predisposition syndrome. Last evaluated: 2025-03-19. Review status: criteria provided, single submitter. Criteria: Invitae Variant Classification Sherloc (09022015). Collection method: clinical testing. Allele origin: germline.
Comment: This sequence change replaces leucine, which is neutral and non-polar, with valine, which is neutral and non-polar, at codon 391 of the AXIN2 protein (p.Leu391Val). This variant is not present in population databases (gnomAD no frequency). This variant has not been reported in the literature in individuals affected with AXIN2-related conditions. ClinVar contains an entry for this variant (Variation ID: 3470174). Invitae Evidence Modeling of protein sequence and biophysical properties (such as structural, functional, and spatial information, amino acid conservation, physicochemical variation, residue mobility, and thermodynamic stability) has been performed for this missense variant. However, the output from this modeling did not meet the statistical confidence thresholds required to predict the impact of this variant on AXIN2 protein function. In summary, the available evidence is currently insufficient to determine the role of this variant in disease. Therefore, it has been classified as a Variant of Uncertain Significance.

Ambry Genetics
Classification: Uncertain significance for Hereditary cancer-predisposing syndrome. Last evaluated: 2024-07-30. Review status: criteria provided, single submitter. Criteria: Ambry Variant Classification Scheme 2023. Collection method: clinical testing. Allele origin: germline.
Comment: The p.L391V variant (also known as c.1171C>G), located in coding exon 4 of the AXIN2 gene, results from a C to G substitution at nucleotide position 1171. The leucine at codon 391 is replaced by valine, an amino acid with highly similar properties. This amino acid position is conserved. In addition, the in silico prediction for this alteration is inconclusive. Based on the available evidence, the clinical significance of this variant remains unclear.